The following is an entry in ClinVar:

ClinVar aggregate classification (germline): Pathogenic (1 of 4 stars; one submission).

Conditions:
Alkaptonuria (AKU). Also called: Alcaptonuria; Homogentisic acidura; HOMOGENTISIC ACID OXIDASE DEFICIENCY; Alkaptonuric ochronosis. Identifiers: Orphanet 56, MedGen C0002066, MONDO:0008753, OMIM 203500.

Submission:

Labcorp Genetics (formerly Invitae), Labcorp
Classification: Pathogenic for Alkaptonuria. Last evaluated: 2020-12-05. Review status: criteria provided, single submitter. Criteria: Invitae Variant Classification Sherloc (09022015). Collection method: clinical testing. Allele origin: germline.
Comment: For these reasons, this variant has been classified as Pathogenic. This variant has not been reported in the literature in individuals with HGD-related conditions. This sequence change is a complex rearrangement of the HGD gene. It does not change the copy number and likely represents an inversion which encompasses exons 1-8. It is expected to result in an absent or disrupted protein product. Loss-of-function variants in HGD are known to be pathogenic (PMID: 12501223, 19862842).

Literature cited by the submitters: PubMed 12501223; PubMed 19862842.

NC_000003.11:g.(?_120365818)_(133465047_?)del

Genes: KALRN (kalirin RhoGEF kinase; plus strand), KLF15 (KLF transcription factor 15; minus strand), PARP15 (poly(ADP-ribose) polymerase family member 15; plus strand), PIK3R4 (phosphoinositide-3-kinase regulatory subunit 4; minus strand), PLXNA1 (plexin A1; plus strand) and 106 more. Cytogenetic location: 3q13.33-22.1.
Variant type: Deletion.
Identifiers: ClinVar variation 1452099 (VCV001452099.5).